The following is an entry in ClinVar:

ClinVar aggregate classification (germline): Uncertain significance. Review status: criteria provided, multiple submitters, no conflicts (2 of 4 stars). 2 submissions from 2 submitters: Uncertain significance (2). Last evaluated 2025-03-19.

Conditions:
NOTCH2-related disorder. Also called: NOTCH2-related condition.
Hajdu-Cheney syndrome (HJCYS). Also called: ACROOSTEOLYSIS WITH OSTEOPOROSIS AND CHANGES IN SKULL AND MANDIBLE; Acroosteolysis dominant type; SERPENTINE FIBULA-POLYCYSTIC KIDNEY SYNDROME. Identifiers: Orphanet 955, MedGen C0917715, MONDO:0007057, OMIM 102500.

Allele frequency attached by ClinVar (database versions not stated): ExAC 0.00001; gnomAD 0.00001; gnomAD exomes 0.00001; TOPMed 0.00002.
gnomAD v4.1: 19 of 1,614,102 alleles (0.0012%); highest among the groups gnomAD compares: South Asian, 0.014%; 1 homozygote.

Submissions (2):

PreventionGenetics, part of Exact Sciences
Classification: Uncertain significance for NOTCH2-related condition. Last evaluated: 2025-03-19. Review status: criteria provided, single submitter. Criteria: ACMG Guidelines, 2015. Collection method: clinical testing. Allele origin: germline.
Comment: The NOTCH2 c.5335G>A variant is predicted to result in the amino acid substitution p.Glu1779Lys. To our knowledge, this variant has not been reported in the literature. This variant is reported in 0.0098% of alleles in individuals of South Asian descent in gnomAD. At this time, the clinical significance of this variant is uncertain due to the absence of conclusive functional and genetic evidence.

Labcorp Genetics (formerly Invitae), Labcorp
Classification: Uncertain significance for Hajdu-Cheney syndrome. Last evaluated: 2024-10-22. Review status: criteria provided, single submitter. Criteria: Invitae Variant Classification Sherloc (09022015). Collection method: clinical testing. Allele origin: germline.
Comment: This sequence change replaces glutamic acid, which is acidic and polar, with lysine, which is basic and polar, at codon 1779 of the NOTCH2 protein (p.Glu1779Lys). This variant is present in population databases (rs754237679, gnomAD 0.01%). This variant has not been reported in the literature in individuals affected with NOTCH2-related conditions. ClinVar contains an entry for this variant (Variation ID: 2190385). Invitae Evidence Modeling of protein sequence and biophysical properties (such as structural, functional, and spatial information, amino acid conservation, physicochemical variation, residue mobility, and thermodynamic stability) indicates that this missense variant is not expected to disrupt NOTCH2 protein function with a negative predictive value of 80%. In summary, the available evidence is currently insufficient to determine the role of this variant in disease. Therefore, it has been classified as a Variant of Uncertain Significance.

NM_024408.4(NOTCH2):c.5335G>A (p.Glu1779Lys)

Gene: NOTCH2 (notch receptor 2; minus strand). Cytogenetic location: 1p12.
Variant type: single nucleotide variant.
Coding change: c.5335G>A on transcript NM_024408.4 (MANE Select); coding-DNA position 5335, G replaced by A.
Protein change: p.Glu1779Lys; replaces glutamic acid 1779 with lysine.
Molecular consequence: missense variant.
Genome position (GRCh38, 1-based): chr1:119,920,373, C>T on the plus strand (G>A on the coding strand, the complement: NOTCH2 is on the minus strand). VCF-style: chr1-119920373-C-T. GRCh37 (hg19) VCF-style: chr1-120462996-C-T.
Other names: c.5335G>A (NM_024408.3); short protein forms E1779K.
Identifiers: ClinVar variation 2190385 (VCV002190385.5), dbSNP rs754237679, ClinGen allele CA1039655.